The following is an entry in ClinVar:

NM_030962.4(SBF2):c.2963T>G (p.Val988Gly)

Genes: SBF2 (SET binding factor 2; minus strand), LOC101928008 (uncharacterized LOC101928008; plus strand). Cytogenetic location: 11p15.4.
Variant type: single nucleotide variant.
Coding change: c.2963T>G on transcript NM_030962.4 (MANE Select); coding-DNA position 2963, T replaced by G.
Protein change: p.Val988Gly; replaces valine 988 with glycine.
Molecular consequence: missense variant.
Genome position (GRCh38, 1-based): chr11:9,845,712, A>C on the plus strand (T>G on the coding strand, the complement: SBF2 is on the minus strand). VCF-style: chr11-9845712-A-C. GRCh37 (hg19) VCF-style: chr11-9867259-A-C.
Other names: c.2963T>G, p.Val988Gly (NM_001386339.1); c.2834T>G, p.Val945Gly (NM_001386342.1); short protein forms V988G, V945G.
Identifiers: ClinVar variation 543374 (VCV000543374.9), dbSNP rs778766567, ClinGen allele CA5881399.
Genomic context (GRCh38, chr11:9,845,712, plus strand): 5'-GACTGAGGATAACGGAACTTCATCAGCTGTTTCTTAAAGATCTCTACTACTTCTGGACTG[A>C]CTTCTTCATCAAATGCTACCTTAATCAACTAGAAGCAAAAGAGATTAAACACAAAAGAAG-3'
Protein context (NP_112224.1, residues 978-998): QLIKVAFDEE[Val988Gly]SPEVVEIFKK

ClinVar aggregate classification (germline): Uncertain significance (1 of 4 stars; one submission).

Conditions:
Charcot-Marie-Tooth disease type 4. Also called: Charcot-Marie-Tooth, Type 4; Charcot-Marie-Tooth disease, type IV. Identifiers: Orphanet 64749, MedGen C4082197, MONDO:0018995.

Allele frequency attached by ClinVar (database versions not stated): ExAC 0.00002; gnomAD exomes below 0.00001 and 0.00001.
gnomAD v4.1: 3 of 1,613,926 alleles (0.00019%); highest among the groups gnomAD compares: Non-Finnish European, 0.00025%; no homozygotes.

Submission:

Labcorp Genetics (formerly Invitae), Labcorp
Classification: Uncertain significance for Charcot-Marie-Tooth disease type 4. Last evaluated: 2020-09-23. Review status: criteria provided, single submitter. Criteria: Invitae Variant Classification Sherloc (09022015). Collection method: clinical testing. Allele origin: germline.
Comment: This variant has not been reported in the literature in individuals with SBF2-related disease. In summary, the available evidence is currently insufficient to determine the role of this variant in disease. Therefore, it has been classified as a Variant of Uncertain Significance. Algorithms developed to predict the effect of missense changes on protein structure and function do not agree on the potential impact of this missense change (SIFT: "Deleterious"; PolyPhen-2: "Probably Damaging"; Align-GVGD: "Class C0"). This variant is present in population databases (rs778766567, ExAC 0.003%). This sequence change replaces valine with glycine at codon 988 of the SBF2 protein (p.Val988Gly). The valine residue is highly conserved and there is a moderate physicochemical difference between valine and glycine.